The following is an entry in ClinVar:

NM_002439.5(MSH3):c.1468T>G (p.Ser490Ala)

Gene: MSH3 (mutS homolog 3; plus strand). Cytogenetic location: 5q14.1.
Variant type: single nucleotide variant.
Coding change: c.1468T>G on transcript NM_002439.5 (MANE Select); coding-DNA position 1468, T replaced by G.
Protein change: p.Ser490Ala; replaces serine 490 with alanine.
Molecular consequence: missense variant.
Genome position (GRCh38, 1-based): chr5:80,728,865, T>G. VCF-style: chr5-80728865-T-G. GRCh37 (hg19) VCF-style: chr5-80024684-T-G.
Other names: short protein forms S490A.
Identifiers: ClinVar variation 1773305 (VCV001773305.5), dbSNP rs2546754594, ClinGen allele CA360274172.
Genomic context (GRCh38, chr5:80,728,865, plus strand): 5'-AATTTAAAAGAATTTTTATAACAAGTTAATATATTCTGTTTTCTAGGTTCTCAAATTATT[T>G]CTGGCATTGTTAACTTAGAGAAGCCTGTGATTTGCTCTTTGGCTGCCATCATAAAATACC-3'
Protein context (NP_002430.3, residues 480-500): TVDIKGSQII[Ser490Ala]GIVNLEKPVI

ClinVar aggregate classification (germline): Uncertain significance. Review status: criteria provided, multiple submitters, no conflicts (2 of 4 stars). 2 submissions from 2 submitters: Uncertain significance (2). Last evaluated 2023-09-29.

Conditions:
Hereditary cancer-predisposing syndrome. Also called: Hereditary Cancer Syndrome; Hereditary neoplastic syndrome; Neoplastic Syndromes, Hereditary; Tumor predisposition. Identifiers: Orphanet 140162, MedGen C0027672, MeSH D009386, MONDO:0015356.

Submissions (2):

Labcorp Genetics (formerly Invitae), Labcorp
Classification: Uncertain significance. Last evaluated: 2023-09-29. Review status: criteria provided, single submitter. Criteria: Invitae Variant Classification Sherloc (09022015). Collection method: clinical testing. Allele origin: germline.
Comment: In summary, the available evidence is currently insufficient to determine the role of this variant in disease. Therefore, it has been classified as a Variant of Uncertain Significance. Algorithms developed to predict the effect of missense changes on protein structure and function output the following: SIFT: "Not Available"; PolyPhen-2: "Benign"; Align-GVGD: "Not Available". The alanine amino acid residue is found in multiple mammalian species, which suggests that this missense change does not adversely affect protein function. ClinVar contains an entry for this variant (Variation ID: 1773305). This variant has not been reported in the literature in individuals affected with MSH3-related conditions. This variant is not present in population databases (gnomAD no frequency). This sequence change replaces serine, which is neutral and polar, with alanine, which is neutral and non-polar, at codon 490 of the MSH3 protein (p.Ser490Ala).

Ambry Genetics
Classification: Uncertain significance for Hereditary cancer-predisposing syndrome. Last evaluated: 2021-06-23. Review status: criteria provided, single submitter. Criteria: Ambry Variant Classification Scheme 2023. Collection method: clinical testing. Allele origin: germline.
Comment: The p.S490A variant (also known as c.1468T>G), located in coding exon 10 of the MSH3 gene, results from a T to G substitution at nucleotide position 1468. The serine at codon 490 is replaced by alanine, an amino acid with similar properties. This amino acid position is highly conserved in available vertebrate species. In addition, this alteration is predicted to be tolerated by in silico analysis. Since supporting evidence is limited at this time, the clinical significance of this alteration remains unclear.